The following is an entry in ClinVar:

NM_018051.5(DYNC2I1):c.876C>T (p.Ser292=)

Gene: DYNC2I1 (dynein 2 intermediate chain 1; plus strand). Cytogenetic location: 7q36.3.
Variant type: single nucleotide variant.
Coding change: c.876C>T on transcript NM_018051.5 (MANE Select); coding-DNA position 876, C replaced by T.
Protein change: p.Ser292=; no amino-acid change (serine 292 retained).
Molecular consequence: synonymous variant. On other transcripts: missense variant (1), 5 prime UTR variant (3).
Genome position (GRCh38, 1-based): chr7:158,879,986, C>T. VCF-style: chr7-158879986-C-T. GRCh37 (hg19) VCF-style: chr7-158672677-C-T.
Other names: c.738C>T, p.Ser246= (NM_001350914.2); c.359C>T, p.Pro120Leu (NM_001350915.2); c.-483C>T (NM_001350916.2); c.-491C>T (NM_001350917.2); c.-610C>T (NM_001350918.2); c.359C>T (NM_001350915.1); short protein forms P120L.
Identifiers: ClinVar variation 707022 (VCV000707022.11), dbSNP rs757328480, ClinGen allele CA4594399.

ClinVar aggregate classification (germline): Likely benign. Review status: criteria provided, multiple submitters, no conflicts (2 of 4 stars). 3 submissions from 3 submitters: Likely benign (3). Last evaluated 2026-08-04.

Conditions:
DYNC2I1-related disorder. Also called: DYNC2I1-related condition.
Short-rib thoracic dysplasia 8 with or without polydactyly (SRTD8). Also called: SHORT-RIB THORACIC DYSPLASIA 8 WITH POLYDACTYLY. Identifiers: Orphanet 93271, MedGen C3809691, MONDO:0014214, OMIM 615503.

Allele frequency attached by ClinVar (database versions not stated): TOPMed 0.00003; gnomAD 0.00004 and 0.00005; ExAC 0.00024; gnomAD exomes 0.00027.
gnomAD v4.1: 166 of 1,587,964 alleles (0.01%); highest among the groups gnomAD compares: South Asian, 0.12%; 1 homozygote.

Submissions (3):

PreventionGenetics, part of Exact Sciences
Classification: Likely benign for DYNC2I1-related condition. Last evaluated: 2026-08-04. Review status: criteria provided, single submitter. Criteria: ACMG Guidelines, 2015. Collection method: clinical testing. Allele origin: germline.
Comment: This variant is classified as likely benign based on ACMG/AMP sequence variant interpretation guidelines (Richards et al. 2015 PMID: 25741868, with internal and published modifications).

Labcorp Genetics (formerly Invitae), Labcorp
Classification: Likely benign for Short-rib thoracic dysplasia 8 with or without polydactyly. Last evaluated: 2025-05-21. Review status: criteria provided, single submitter. Criteria: Invitae Variant Classification Sherloc (09022015). Collection method: clinical testing. Allele origin: germline.

Revvity Omics, Revvity
Classification: Likely benign for Short-rib thoracic dysplasia 8 with or without polydactyly. Last evaluated: 2023-11-01. Review status: criteria provided, single submitter. Criteria: ACMG Guidelines, 2015. Collection method: clinical testing. Allele origin: germline.